The following is an entry in ClinVar:

NM_001348716.2(KDM6B):c.1991C>T (p.Pro664Leu)

Gene: KDM6B (lysine demethylase 6B; plus strand). Cytogenetic location: 17p13.1.
Variant type: single nucleotide variant.
Coding change: c.1991C>T on transcript NM_001348716.2 (MANE Select); coding-DNA position 1991, C replaced by T.
Protein change: p.Pro664Leu; replaces proline 664 with leucine.
Molecular consequence: missense variant.
Genome position (GRCh38, 1-based): chr17:7,848,279, C>T. VCF-style: chr17-7848279-C-T. GRCh37 (hg19) VCF-style: chr17-7751597-C-T.
Other names: c.1991C>T, p.Pro664Leu (NM_001080424.2); short protein forms P664L.
Identifiers: ClinVar variation 3067246 (VCV003067246.22), dbSNP rs142473008, ClinGen allele CA8360784.
Genomic context (GRCh38, chr17:7,848,279, plus strand): 5'-CACCCCCAGGCCCCCTGAGTAAAGCCCCCCAGCCTGTGCCGCCCGGGGTTGGGGAGCTGC[C>T]TGCCCGAGGCCCTCGACTCTTTGATTTTCCCCCCACTCCGCTGGAGGACCAGTTTGAGGA-3'
Protein context (NP_001335645.1, residues 654-674): QPVPPGVGEL[Pro664Leu]ARGPRLFDFP

ClinVar aggregate classification (germline): Conflicting classifications of pathogenicity. Review status: criteria provided, conflicting classifications (1 of 4 stars). 2 submissions from 2 submitters: Uncertain significance (1); Likely benign (1). Last evaluated 2026-06-01.

Conditions:
Neurodevelopmental disorder with coarse facies and mild distal skeletal abnormalities. Also called: STOLERMAN NEURODEVELOPMENTAL SYNDROME. Identifiers: MedGen C5193134, MONDO:0032790, OMIM 618505.

Allele frequency attached by ClinVar (database versions not stated): ESP Exome Variant Server 0.00008; TOPMed 0.00008.
gnomAD v4.1: 140 of 1,612,350 alleles (0.0087%); highest among the groups gnomAD compares: Non-Finnish European, 0.012%; no homozygotes.

Submissions (2):

CeGaT Center for Human Genetics Tuebingen
Classification: Likely benign. Last evaluated: 2026-06-01. Review status: criteria provided, single submitter. Criteria: CeGaT Center For Human Genetics Tuebingen Variant Classification Criteria Version 2. Collection method: clinical testing. Allele origin: germline. Affected: yes. Observed: 3 variant alleles.
Comment: KDM6B: BS2

Revvity Omics, Revvity
Classification: Uncertain significance for Neurodevelopmental disorder with coarse facies and mild distal skeletal abnormalities. Last evaluated: 2025-06-20. Review status: criteria provided, single submitter. Criteria: ACMG Guidelines, 2015. Collection method: clinical testing. Allele origin: germline.